The following is an entry in ClinVar:

ClinVar aggregate classification (germline): Uncertain significance (1 of 4 stars; one submission).

Submission:

Women's Health and Genetics/Laboratory Corporation of America, LabCorp
Classification: Uncertain significance. Last evaluated: 2024-09-20. Review status: criteria provided, single submitter. Criteria: LabCorp Variant Classification Summary - May 2015. Collection method: clinical testing. Allele origin: germline.
Comment: Variant summary: GALNS c.575A>G (p.Glu192Gly) results in a non-conservative amino acid change located in the Sulfatase, N-terminal domain (IPR000917) of the encoded protein sequence. Four of five in-silico tools predict a damaging effect of the variant on protein function. The variant was absent in 249468 control chromosomes. The available data on variant occurrences in the general population are insufficient to allow any conclusion about variant significance. c.575A>G has been reported in the literature in individuals affected with Mucopolysaccharidosis Type IVA (Morquio Syndrome A) and Parkinsons disease (Ge_2021, Yi_2022, Zhao_2021). These report(s) do not provide unequivocal conclusions about association of the variant with Mucopolysaccharidosis Type IVA (Morquio Syndrome A). To our knowledge, no experimental evidence demonstrating an impact on protein function has been reported. The following publications have been ascertained in the context of this evaluation (PMID: 33407246, 35212421, 34867278). No submitters have cited clinical-significance assessments for this variant to ClinVar. Based on the evidence outlined above, the variant was classified as uncertain significance.

Literature cited by the submitters: PubMed 34867278; PubMed 35212421; PubMed 33407246.

NM_000512.5(GALNS):c.575A>G (p.Glu192Gly)

Gene: GALNS (galactosamine (N-acetyl)-6-sulfatase; minus strand). Cytogenetic location: 16q24.3.
Variant type: single nucleotide variant.
Coding change: c.575A>G on transcript NM_000512.5 (MANE Select); coding-DNA position 575, A replaced by G.
Protein change: p.Glu192Gly; replaces glutamic acid 192 with glycine.
Molecular consequence: missense variant.
Genome position (GRCh38, 1-based): chr16:88,836,259, T>C on the plus strand (A>G on the coding strand, the complement: GALNS is on the minus strand). VCF-style: chr16-88836259-T-C. GRCh37 (hg19) VCF-style: chr16-88902667-T-C.
Other names: c.20A>G, p.Glu7Gly (NM_001323543.2); c.593A>G, p.Glu198Gly (NM_001323544.2); short protein forms E192G, E198G, E7G.
Identifiers: ClinVar variation 3375339 (VCV003375339.1).